The following is an entry in ClinVar:

NM_001267550.2(TTN):c.88112T>C (p.Ile29371Thr)

Genes: TTN-AS1 (TTN antisense RNA 1; plus strand), TTN (titin; minus strand). Cytogenetic location: 2q31.2.
Variant type: single nucleotide variant.
Coding change: c.88112T>C on transcript NM_001267550.2 (MANE Select); coding-DNA position 88112, T replaced by C.
Protein change: p.Ile29371Thr; replaces isoleucine 29371 with threonine.
Molecular consequence: missense variant.
Genome position (GRCh38, 1-based): chr2:178,557,042, A>G on the plus strand (T>C on the coding strand, the complement: TTN is on the minus strand). VCF-style: chr2-178557042-A-G. GRCh37 (hg19) VCF-style: chr2-179421769-A-G.
Other names: c.88112T>C (NM_001267550.1); c.83189T>C, p.Ile27730Thr (NM_001256850.1); c.60917T>C, p.Ile20306Thr (NM_003319.4); c.80408T>C, p.Ile26803Thr (NM_133378.4); c.61292T>C, p.Ile20431Thr (NM_133432.3); c.61493T>C, p.Ile20498Thr (NM_133437.4); short protein forms I29371T, I27730T, I20306T, I20431T, I20498T, I26803T.
Identifiers: ClinVar variation 467599 (VCV000467599.15), dbSNP rs767890385, ClinGen allele CA1988198.

ClinVar aggregate classification (germline): Conflicting classifications of pathogenicity. Review status: criteria provided, conflicting classifications (1 of 4 stars). 7 submissions from 7 submitters: Uncertain significance (5); Likely benign (2). Last evaluated 2025-04-09.

Conditions:
Autosomal recessive limb-girdle muscular dystrophy type 2J (LGMDR10). Also called: Limb-girdle muscular dystrophy, type 2J; MUSCULAR DYSTROPHY, LIMB-GIRDLE, AUTOSOMAL RECESSIVE 10. Identifiers: Orphanet 140922, MedGen C1837342, MONDO:0012127, OMIM 608807.
Dilated cardiomyopathy 1G (CMD1G). Identifiers: Orphanet 154, MedGen C1858763, MONDO:0011400, OMIM 604145.
Cardiovascular phenotype. Identifiers: MedGen CN230736.

Allele frequency attached by ClinVar (database versions not stated): TOPMed 0.00002.
gnomAD v4.1: 41 of 1,613,666 alleles (0.0025%); highest among the groups gnomAD compares: Admixed American, 0.012%; no homozygotes.

Submissions (7):

Molecular Diagnostic Laboratory for Inherited Cardiovascular Disease, Montreal Heart Institute
Classification: Likely benign. Last evaluated: 2025-04-09. Review status: criteria provided, single submitter. Criteria: ACMG Guidelines, 2015. Collection method: clinical testing. Allele origin: germline. Affected: no.

Revvity Omics, Revvity
Classification: Uncertain significance. Last evaluated: 2025-03-19. Review status: criteria provided, single submitter. Criteria: ACMG Guidelines, 2015. Collection method: clinical testing. Allele origin: germline.

Athena Diagnostics
Classification: Uncertain significance. Last evaluated: 2023-12-20. Review status: criteria provided, single submitter. Criteria: Athena Diagnostics Criteria. Collection method: clinical testing. Allele origin: unknown.
Comment: Available data are insufficient to determine the clinical significance of the variant at this time. The frequency of this variant in the general population is uninformative in assessment of its pathogenicity. Computational tools predict that this variant is not damaging.

Ambry Genetics
Classification: Uncertain significance for Cardiovascular phenotype. Last evaluated: 2020-01-10. Review status: criteria provided, single submitter. Criteria: Ambry Variant Classification Scheme 2023. Collection method: clinical testing. Allele origin: germline.
Comment: The p.I20306T variant (also known as c.60917T>C), located in coding exon 157 of the TTN gene, results from a T to C substitution at nucleotide position 60917. The isoleucine at codon 20306 is replaced by threonine, an amino acid with similar properties. This amino acid position is not well conserved in available vertebrate species. In addition, this alteration is predicted to be tolerated by in silico analysis. Since supporting evidence is limited at this time, the clinical significance of this alteration remains unclear.

Mayo Clinic Laboratories, Mayo Clinic
Classification: Uncertain significance. Last evaluated: 2019-05-26. Review status: criteria provided, single submitter. Criteria: ACMG Guidelines, 2015. Collection method: clinical testing. Allele origin: germline. Observed: 1 variant allele.

GeneDx
Classification: Likely benign. Last evaluated: 2018-02-14. Review status: criteria provided, single submitter. Criteria: GeneDx Variant Classification (06012015). Collection method: clinical testing. Allele origin: germline. Affected: yes.
Comment: This variant is considered likely benign or benign based on one or more of the following criteria: it is a conservative change, it occurs at a poorly conserved position in the protein, it is predicted to be benign by multiple in silico algorithms, and/or has population frequency not consistent with disease.

Labcorp Genetics (formerly Invitae), Labcorp
Classification: Uncertain significance for Dilated cardiomyopathy 1G; Autosomal recessive limb-girdle muscular dystrophy type 2J. Last evaluated: 2017-01-04. Review status: criteria provided, single submitter. Criteria: Invitae Variant Classification Sherloc (09022015). Collection method: clinical testing. Allele origin: germline.